The following is an entry in ClinVar:

ClinVar aggregate classification (germline): Uncertain significance (1 of 4 stars; one submission).

Submission:

Labcorp Genetics (formerly Invitae), Labcorp
Classification: Uncertain significance. Last evaluated: 2024-05-22. Review status: criteria provided, single submitter. Criteria: Invitae Variant Classification Sherloc (09022015). Collection method: clinical testing. Allele origin: germline.
Comment: This sequence change replaces tryptophan, which is neutral and slightly polar, with cysteine, which is neutral and slightly polar, at codon 1990 of the CACNA1E protein (p.Trp1990Cys). This variant is not present in population databases (gnomAD no frequency). This variant has not been reported in the literature in individuals affected with CACNA1E-related conditions. Advanced modeling of protein sequence and biophysical properties (such as structural, functional, and spatial information, amino acid conservation, physicochemical variation, residue mobility, and thermodynamic stability) performed at Invitae indicates that this missense variant is not expected to disrupt CACNA1E protein function with a negative predictive value of 95%. In summary, the available evidence is currently insufficient to determine the role of this variant in disease. Therefore, it has been classified as a Variant of Uncertain Significance.

NM_001205293.3(CACNA1E):c.6099G>T (p.Trp2033Cys)

Gene: CACNA1E (calcium voltage-gated channel subunit alpha1 E; plus strand). Cytogenetic location: 1q25.3.
Variant type: single nucleotide variant.
Coding change: c.6099G>T on transcript NM_001205293.3 (MANE Select); coding-DNA position 6099, G replaced by T.
Protein change: p.Trp2033Cys; replaces tryptophan 2033 with cysteine.
Molecular consequence: missense variant.
Genome position (GRCh38, 1-based): chr1:181,794,935, G>T. VCF-style: chr1-181794935-G-T. GRCh37 (hg19) VCF-style: chr1-181764071-G-T.
Other names: c.5970G>T, p.Trp1990Cys (NM_000721.4); c.5913G>T, p.Trp1971Cys (NM_001205294.2); short protein forms W1971C, W2033C, W1990C.
Identifiers: ClinVar variation 3633694 (VCV003633694.2).